The following is an entry in ClinVar:

ClinVar aggregate classification (germline): Conflicting classifications of pathogenicity. Review status: criteria provided, conflicting classifications (1 of 4 stars). 3 submissions from 3 submitters: Uncertain significance (2); Likely benign (1). Last evaluated 2025-12-03.

Conditions:
Neurodevelopmental disorder with or without hyperkinetic movements and seizures, autosomal dominant. Also called: Intellectual disability, autosomal dominant 8. Identifiers: MedGen C3280282, MONDO:0013655, OMIM 614254.

Allele frequency attached by ClinVar (database versions not stated): TOPMed 0.00001; gnomAD 0.00002; gnomAD exomes 0.00002.
gnomAD v4.1: 39 of 1,610,208 alleles (0.0024%); highest among the groups gnomAD compares: African/African-American, 0.008%; no homozygotes.

Submissions (3):

Labcorp Genetics (formerly Invitae), Labcorp
Classification: Likely benign for Neurodevelopmental disorder with or without hyperkinetic movements and seizures, autosomal dominant. Last evaluated: 2025-12-03. Review status: criteria provided, single submitter. Criteria: Invitae Variant Classification Sherloc (09022015). Collection method: clinical testing. Allele origin: germline.

Blueprint Genetics
Classification: Uncertain significance. Last evaluated: 2024-11-14. Review status: criteria provided, single submitter. Criteria: ACMG Guidelines, 2015. Collection method: clinical testing. Allele origin: germline.

Baylor Genetics
Classification: Uncertain significance for Neurodevelopmental disorder with or without hyperkinetic movements and seizures, autosomal dominant. Last evaluated: 2020-02-06. Review status: criteria provided, single submitter. Criteria: ACMG Guidelines, 2015. Collection method: clinical testing. Allele origin: unknown. Affected: yes.
Comment: This variant was determined to be of uncertain significance according to ACMG Guidelines, 2015 [PMID:25741868].

NM_007327.4(GRIN1):c.794-11T>A

Gene: GRIN1 (glutamate ionotropic receptor NMDA type subunit 1; plus strand). Cytogenetic location: 9q34.3.
Variant type: single nucleotide variant.
Coding change: c.794-11T>A on transcript NM_007327.4 (MANE Select); 11 bases into the intron before coding-DNA position 794, T replaced by A.
Molecular consequence: intron variant.
Genome position (GRCh38, 1-based): chr9:137,156,852, T>A. VCF-style: chr9-137156852-T-A. GRCh37 (hg19) VCF-style: chr9-140051304-T-A.
Other names: c.857-11T>A (NM_001185090.2, NM_001185091.2); c.794-11T>A (NM_021569.4, NM_000832.7).
Identifiers: ClinVar variation 1031214 (VCV001031214.10), dbSNP rs1347697507, ClinGen allele CA467850634.
Genomic context (GRCh38, chr9:137,156,852, plus strand): 5'-TGAGTGCTGGGCCTTGGCGGGGTCCCCGAACGGGGAGGACCCCACGGGCTCTGAGTCGCA[T>A]GCTCGCCTAGGCATCCTCGGGCTGCAGCTCATCAACGGCAAGAACGAGTCGGCCCACATC-3'